The following is an entry in ClinVar:

NM_000038.6(APC):c.*2AG[2]

Gene: APC (APC regulator of Wnt signaling pathway; plus strand). Cytogenetic location: 5q22.2.
Variant type: Microsatellite.
Coding change: c.*2AG[2] on transcript NM_000038.6 (MANE Select); two copies in a row of the 2-base unit AG starting at c.*2; the reference has three copies in a row; one copy, 2 bases deleted.
Molecular consequence: 3 prime UTR variant.
Genome position (GRCh38, 1-based): chr5:112,844,132-112,844,133, AG deleted; deleting any 2 consecutive bases within chr5:112,844,128-112,844,133 gives the same sequence; the position shown is the placement nearest the transcript's 3' end. VCF-style (leftmost placement, unchanged base first): chr5-112844127-AAG-A. GRCh37 (hg19) VCF-style: chr5-112179824-AAG-A.
Other names: c.*6_*7delAG (NM_000038.5); c.*2AG[2] (NM_001127510.3, NM_001127511.3, NM_001354895.2 and 11 more transcripts); c.*6_*7del (NM_000038.5).
Identifiers: ClinVar variation 630502 (VCV000630502.8), dbSNP rs758692443, ClinGen allele CA031838.

ClinVar aggregate classification (germline): Conflicting classifications of pathogenicity. Review status: criteria provided, conflicting classifications (1 of 4 stars). 5 submissions from 5 submitters: Uncertain significance (2); Benign (2); Likely benign (1). Last evaluated 2025-08-12.

Conditions:
Hereditary cancer-predisposing syndrome. Also called: Tumor predisposition; Neoplastic Syndromes, Hereditary; Hereditary neoplastic syndrome; Hereditary Cancer Syndrome. Identifiers: Orphanet 140162, MedGen C0027672, MeSH D009386, MONDO:0015356.
Desmoid disease, hereditary (DESMD). Also called: FIBROMATOSIS, FAMILIAL INFILTRATIVE. Identifiers: Orphanet 873, MedGen C1851124, OMIM 135290. Disease mechanism: loss of function.
Familial adenomatous polyposis 1 (FAP1). Also called: POLYPOSIS, ADENOMATOUS INTESTINAL; FAMILIAL ADENOMATOUS POLYPOSIS 1, ATTENUATED. Identifiers: MedGen C2713442, MONDO:0021056, OMIM 175100. Disease mechanism: loss of function.

Submissions (5):

Quest Diagnostics Nichols Institute San Juan Capistrano
Classification: Uncertain significance. Last evaluated: 2025-08-12. Review status: criteria provided, single submitter. Criteria: Quest Diagnostics criteria. Collection method: clinical testing. Allele origin: unknown.
Comment: The APC c.*6_*7del variant has not been reported in individuals with APC-related conditions in the published literature. The frequency of this variant in the general population (Genome Aggregation Database) is uninformative in the assessment of its pathogenicity. Based on the available information, we are unable to determine the clinical significance of this variant.

Myriad Genetics, Inc.
Classification: Benign for Familial adenomatous polyposis 1. Last evaluated: 2024-09-30. Review status: criteria provided, single submitter. Criteria: Myriad Autosomal Dominant, Autosomal Recessive and X-Linked Classification Criteria (2023). Collection method: clinical testing. Allele origin: unknown.
Comment: This variant is considered benign. This variant occurs in the non-coding 3' untranslated region of the gene, and is not expected to impact protein function.

Department of Pathology and Laboratory Medicine, Sinai Health System
Classification: Uncertain significance for Familial adenomatous polyposis 1; Desmoid disease, hereditary. Last evaluated: 2019-10-18. Review status: criteria provided, single submitter. Criteria: ACMG Guidelines, 2015. Collection method: clinical testing. Allele origin: germline. Affected: yes.

Color Diagnostics, LLC DBA Color Health
Classification: Likely benign for Hereditary cancer-predisposing syndrome. Last evaluated: 2017-03-28. Review status: criteria provided, single submitter. Criteria: ACMG Guidelines, 2015. Collection method: clinical testing. Allele origin: germline.

GeneDx
Classification: Benign. Last evaluated: 2015-03-03. Review status: criteria provided, single submitter. Criteria: GeneDx Variant Classification Process June 2021. Collection method: clinical testing. Allele origin: germline. Affected: yes.